The following is an entry in ClinVar:

ClinVar aggregate classification (germline): Uncertain significance. Review status: criteria provided, multiple submitters, no conflicts (2 of 4 stars). 2 submissions from 2 submitters: Uncertain significance (2). Last evaluated 2024-05-21.

Allele frequency attached by ClinVar (database versions not stated): 1000 Genomes Project 30x 0.00062; ExAC 0.00004; gnomAD exomes 0.00003; gnomAD 0.00004; TOPMed 0.00002; 1000 Genomes Project 0.00060.
gnomAD v4.1: 54 of 1,612,846 alleles (0.0033%); highest among the groups gnomAD compares: South Asian, 0.013%; no homozygotes.

Submissions (2):

GeneDx
Classification: Uncertain significance. Last evaluated: 2024-05-21. Review status: criteria provided, single submitter. Criteria: GeneDx Variant Classification Process June 2021. Collection method: clinical testing. Allele origin: germline. Affected: yes.
Comment: In silico analysis indicates that this missense variant does not alter protein structure/function; Has not been previously published as pathogenic or benign to our knowledge

Labcorp Genetics (formerly Invitae), Labcorp
Classification: Uncertain significance. Last evaluated: 2022-05-01. Review status: criteria provided, single submitter. Criteria: Invitae Variant Classification Sherloc (09022015). Collection method: clinical testing. Allele origin: germline.
Comment: This sequence change replaces isoleucine, which is neutral and non-polar, with valine, which is neutral and non-polar, at codon 232 of the MPDZ protein (p.Ile232Val). This variant is present in population databases (rs200362856, gnomAD 0.009%). This variant has not been reported in the literature in individuals affected with MPDZ-related conditions. Algorithms developed to predict the effect of missense changes on protein structure and function output the following: SIFT: "Tolerated"; PolyPhen-2: "Benign"; Align-GVGD: "Class C0". The valine amino acid residue is found in multiple mammalian species, which suggests that this missense change does not adversely affect protein function. In summary, the available evidence is currently insufficient to determine the role of this variant in disease. Therefore, it has been classified as a Variant of Uncertain Significance.

NM_001378778.1(MPDZ):c.694A>G (p.Ile232Val)

Gene: MPDZ (multiple PDZ domain crumbs cell polarity complex component; minus strand). Cytogenetic location: 9p23.
Variant type: single nucleotide variant.
Coding change: c.694A>G on transcript NM_001378778.1 (MANE Select); coding-DNA position 694, A replaced by G.
Protein change: p.Ile232Val; replaces isoleucine 232 with valine.
Molecular consequence: missense variant.
Genome position (GRCh38, 1-based): chr9:13,222,286, T>C on the plus strand (A>G on the coding strand, the complement: MPDZ is on the minus strand). VCF-style: chr9-13222286-T-C. GRCh37 (hg19) VCF-style: chr9-13222285-T-C.
Other names: c.694A>G, p.Ile232Val (NM_001261406.2, NM_001261407.2, NM_001330637.2 and 14 more transcripts); c.694A>G (NM_003829.4); short protein forms I232V.
Identifiers: ClinVar variation 1399820 (VCV001399820.4), dbSNP rs200362856, ClinGen allele CA4988043.